The following is an entry in ClinVar:

NM_000051.4(ATM):c.3652G>A (p.Val1218Ile)

Gene: ATM (ATM serine/threonine kinase; plus strand). Cytogenetic location: 11q22.3.
Variant type: single nucleotide variant.
Coding change: c.3652G>A on transcript NM_000051.4 (MANE Select); coding-DNA position 3652, G replaced by A.
Protein change: p.Val1218Ile; replaces valine 1218 with isoleucine.
Molecular consequence: missense variant.
Genome position (GRCh38, 1-based): chr11:108,282,785, G>A. VCF-style: chr11-108282785-G-A. GRCh37 (hg19) VCF-style: chr11-108153512-G-A.
Other names: c.3652G>A, p.Val1218Ile (NM_001351834.2); short protein forms V1218I.
Identifiers: ClinVar variation 3649420 (VCV003649420.2).
Genomic context (GRCh38, chr11:108,282,785, plus strand): 5'-TCTGAAACTTTTGGATATAGACGTTTAGAAGACTTTATGGCATCTCATTTAGATTATCTG[G>A]TTTTGGAATGGCTAAATCTTCAAGATACTGAATACAACTTATCTTCTTTTCCTTTTATTT-3'
Protein context (NP_000042.3, residues 1208-1228): DFMASHLDYL[Val1218Ile]LEWLNLQDTE

ClinVar aggregate classification (germline): Uncertain significance (1 of 4 stars; one submission).

Conditions:
Ataxia-telangiectasia syndrome (AT). Also called: ATAXIA-TELANGIECTASIA, COMPLEMENTATION GROUP A; ATAXIA-TELANGIECTASIA, FRESNO VARIANT; LOUIS-BAR SYNDROME; Ataxia-telangiectasia, complementation group D; Ataxia-telangiectasia, complementation group E; Cerebello-oculocutaneous telangiectasia. Identifiers: Orphanet 100, MedGen C0004135, MONDO:0008840, OMIM 208900.

Submission:

Labcorp Genetics (formerly Invitae), Labcorp
Classification: Uncertain significance for Ataxia-telangiectasia syndrome. Last evaluated: 2024-12-23. Review status: criteria provided, single submitter. Criteria: Invitae Variant Classification Sherloc (09022015). Collection method: clinical testing. Allele origin: germline.
Comment: This sequence change replaces valine, which is neutral and non-polar, with isoleucine, which is neutral and non-polar, at codon 1218 of the ATM protein (p.Val1218Ile). This variant is not present in population databases (gnomAD no frequency). This variant has not been reported in the literature in individuals affected with ATM-related conditions. Invitae Evidence Modeling of protein sequence and biophysical properties (such as structural, functional, and spatial information, amino acid conservation, physicochemical variation, residue mobility, and thermodynamic stability) indicates that this missense variant is not expected to disrupt ATM protein function with a negative predictive value of 95%. In summary, the available evidence is currently insufficient to determine the role of this variant in disease. Therefore, it has been classified as a Variant of Uncertain Significance.